The following is an entry in ClinVar:

NM_001040108.2(MLH3):c.3797C>T (p.Thr1266Ile)

Gene: MLH3 (mutL homolog 3; minus strand). Cytogenetic location: 14q24.3.
Variant type: single nucleotide variant.
Coding change: c.3797C>T on transcript NM_001040108.2 (MANE Select); coding-DNA position 3797, C replaced by T.
Protein change: p.Thr1266Ile; replaces threonine 1266 with isoleucine.
Molecular consequence: missense variant.
Genome position (GRCh38, 1-based): chr14:75,032,098, G>A on the plus strand (C>T on the coding strand, the complement: MLH3 is on the minus strand). VCF-style: chr14-75032098-G-A. GRCh37 (hg19) VCF-style: chr14-75498801-G-A.
Other names: c.3725C>T, p.Thr1242Ile (NM_014381.3); short protein forms T1266I, T1242I.
Identifiers: ClinVar variation 4844418 (VCV004844418.1).

ClinVar aggregate classification (germline): Uncertain significance (1 of 4 stars; one submission).

gnomAD v4.1: 2 of 1,612,730 alleles (0.00012%); highest among the groups gnomAD compares: Non-Finnish European, 0.00017%; no homozygotes.

Submission:

Ambry Genetics
Classification: Uncertain significance. Last evaluated: 2026-03-11. Review status: criteria provided, single submitter. Criteria: Ambry Variant Classification Scheme 2023. Collection method: clinical testing. Allele origin: germline.
Comment: The p.T1266I variant (also known as c.3797C>T), located in coding exon 7 of the MLH3 gene, results from a C to T substitution at nucleotide position 3797. The threonine at codon 1266 is replaced by isoleucine, an amino acid with similar properties. This amino acid position is not well conserved in available vertebrate species. In addition, this alteration is predicted to be tolerated by in silico analysis. The evidence for this gene-disease relationship is limited; therefore, the clinical significance of this variant is unclear.